The following is an entry in ClinVar:

ClinVar aggregate classification (germline): Likely pathogenic (1 of 4 stars; one submission).

Submission:

GeneDx
Classification: Likely pathogenic. Last evaluated: 2024-09-18. Review status: criteria provided, single submitter. Criteria: GeneDx Variant Classification Process June 2021. Collection method: clinical testing. Allele origin: germline. Affected: yes.
Comment: Not observed at significant frequency in large population cohorts (gnomAD); In silico analysis supports that this missense variant has a deleterious effect on protein structure/function; In silico analysis is inconclusive as to whether the variant alters gene splicing. In the absence of RNA/functional studies, the actual effect of this sequence change is unknown.; Has not been previously published as pathogenic or benign to our knowledge

NM_001170629.2(CHD8):c.6467A>G (p.Lys2156Arg)

Gene: CHD8 (chromodomain helicase DNA binding protein 8; minus strand). Cytogenetic location: 14q11.2.
Variant type: single nucleotide variant.
Coding change: c.6467A>G on transcript NM_001170629.2 (MANE Select); coding-DNA position 6467, A replaced by G.
Protein change: p.Lys2156Arg; replaces lysine 2156 with arginine.
Molecular consequence: missense variant.
Genome position (GRCh38, 1-based): chr14:21,393,107, T>C on the plus strand (A>G on the coding strand, the complement: CHD8 is on the minus strand). VCF-style: chr14-21393107-T-C. GRCh37 (hg19) VCF-style: chr14-21861266-T-C.
Other names: c.5630A>G, p.Lys1877Arg (NM_020920.4); short protein forms K1877R, K2156R.
Identifiers: ClinVar variation 2575877 (VCV002575877.2), dbSNP rs2501853049, ClinGen allele CA388878992.